The following is an entry in ClinVar:

NM_013276.4(SHPK):c.859T>C (p.Ser287Pro)

Gene: SHPK (sedoheptulokinase; minus strand). Cytogenetic location: 17p13.2.
Variant type: single nucleotide variant.
Coding change: c.859T>C on transcript NM_013276.4 (MANE Select); coding-DNA position 859, T replaced by C.
Protein change: p.Ser287Pro; replaces serine 287 with proline.
Molecular consequence: missense variant.
Genome position (GRCh38, 1-based): chr17:3,615,502, A>G on the plus strand (T>C on the coding strand, the complement: SHPK is on the minus strand). VCF-style: chr17-3615502-A-G. GRCh37 (hg19) VCF-style: chr17-3518796-A-G.
Other names: short protein forms S287P.
Identifiers: ClinVar variation 2095447 (VCV002095447.4), dbSNP rs2507572247, ClinGen allele CA397699654.

ClinVar aggregate classification (germline): Uncertain significance (1 of 4 stars; one submission).

Submission:

Labcorp Genetics (formerly Invitae), Labcorp
Classification: Uncertain significance. Last evaluated: 2022-02-09. Review status: criteria provided, single submitter. Criteria: Invitae Variant Classification Sherloc (09022015). Collection method: clinical testing. Allele origin: germline.
Comment: This sequence change replaces serine, which is neutral and polar, with proline, which is neutral and non-polar, at codon 287 of the SHPK protein (p.Ser287Pro). This variant is not present in population databases (gnomAD no frequency). This variant has not been reported in the literature in individuals affected with SHPK-related conditions. Algorithms developed to predict the effect of missense changes on protein structure and function (SIFT, PolyPhen-2, Align-GVGD) all suggest that this variant is likely to be tolerated. In summary, the available evidence is currently insufficient to determine the role of this variant in disease. Therefore, it has been classified as a Variant of Uncertain Significance.